The following is an entry in ClinVar:

NM_152703.5(SAMD9L):c.284C>T (p.Pro95Leu)

Gene: SAMD9L (sterile alpha motif domain containing 9 like; minus strand). Cytogenetic location: 7q21.2.
Variant type: single nucleotide variant.
Coding change: c.284C>T on transcript NM_152703.5 (MANE Select); coding-DNA position 284, C replaced by T.
Protein change: p.Pro95Leu; replaces proline 95 with leucine.
Molecular consequence: missense variant.
Genome position (GRCh38, 1-based): chr7:93,135,688, G>A on the plus strand (C>T on the coding strand, the complement: SAMD9L is on the minus strand). VCF-style: chr7-93135688-G-A. GRCh37 (hg19) VCF-style: chr7-92765001-G-A.
Other names: c.284C>T (NM_152703.3); c.284C>T, p.Pro95Leu (NM_001303496.3, NM_001303497.3, NM_001303498.3 and 5 more transcripts); short protein forms P95L.
Identifiers: ClinVar variation 1421930 (VCV001421930.9), dbSNP rs774640671, ClinGen allele CA4343899.

ClinVar aggregate classification (germline): Uncertain significance. Review status: criteria provided, multiple submitters, no conflicts (2 of 4 stars). 2 submissions from 2 submitters: Uncertain significance (2). Last evaluated 2022-08-02.

Allele frequency attached by ClinVar (database versions not stated): gnomAD 0.00001; gnomAD exomes 0.00001; TOPMed 0.00002; ExAC 0.00003.

Submissions (2):

GeneDx
Classification: Uncertain significance. Last evaluated: 2022-08-02. Review status: criteria provided, single submitter. Criteria: GeneDx Variant Classification Process June 2021. Collection method: clinical testing. Allele origin: germline. Affected: yes.
Comment: Not observed at significant frequency in large population cohorts (gnomAD); In silico analysis supports that this missense variant does not alter protein structure/function; Has not been previously published as pathogenic or benign to our knowledge

Labcorp Genetics (formerly Invitae), Labcorp
Classification: Uncertain significance. Last evaluated: 2021-02-10. Review status: criteria provided, single submitter. Criteria: Invitae Variant Classification Sherloc (09022015). Collection method: clinical testing. Allele origin: germline.
Comment: In summary, the available evidence is currently insufficient to determine the role of this variant in disease. Therefore, it has been classified as a Variant of Uncertain Significance. Algorithms developed to predict the effect of missense changes on protein structure and function output the following: SIFT: "Not Available"; PolyPhen-2: "Benign"; Align-GVGD: "Not Available". The leucine amino acid residue is found in multiple mammalian species, suggesting that this missense change does not adversely affect protein function. These predictions have not been confirmed by published functional studies and their clinical significance is uncertain. This variant has not been reported in the literature in individuals with SAMD9L-related conditions. This variant is present in population databases (rs774640671, ExAC 0.02%). This sequence change replaces proline with leucine at codon 95 of the SAMD9L protein (p.Pro95Leu). The proline residue is weakly conserved and there is a moderate physicochemical difference between proline and leucine.